The following is an entry in ClinVar:

ClinVar aggregate classification (germline): Likely benign. Review status: criteria provided, single submitter (1 of 4 stars). 2 submissions from 2 submitters: Likely benign (1). 1 of the submissions does not count toward it. Last evaluated 2025-01-06.

Conditions:
NDUFS7-related disorder. Also called: NDUFS7-related condition.

Allele frequency attached by ClinVar (database versions not stated): ESP Exome Variant Server 0.00008.
gnomAD v4.1: 7 of 1,605,726 alleles (0.00044%); highest among the groups gnomAD compares: African/African-American, 0.0095%; no homozygotes.

Submissions (2):

Labcorp Genetics (formerly Invitae), Labcorp
Classification: Likely benign. Last evaluated: 2025-01-06. Review status: criteria provided, single submitter. Criteria: Invitae Variant Classification Sherloc (09022015). Collection method: clinical testing. Allele origin: germline.

PreventionGenetics, part of Exact Sciences
Classification: Likely benign for NDUFS7-related condition. Last evaluated: 2019-03-25. Review status: no assertion criteria provided. Collection method: clinical testing. Allele origin: germline. Not counted in ClinVar's aggregate classification.
Comment: This variant is classified as likely benign based on ACMG/AMP sequence variant interpretation guidelines (Richards et al. 2015 PMID: 25741868, with internal and published modifications).

NM_024407.5(NDUFS7):c.37C>A (p.Arg13=)

Gene: NDUFS7 (NADH:ubiquinone oxidoreductase core subunit S7; plus strand). Cytogenetic location: 19p13.3.
Variant type: single nucleotide variant.
Coding change: c.37C>A on transcript NM_024407.5 (MANE Select); coding-DNA position 37, C replaced by A.
Protein change: p.Arg13=; no amino-acid change (arginine 13 retained).
Molecular consequence: synonymous variant.
Genome position (GRCh38, 1-based): chr19:1,387,831, C>A. VCF-style: chr19-1387831-C-A. GRCh37 (hg19) VCF-style: chr19-1387830-C-A.
Other names: c.37C>A (NM_024407.4); c.37C>A, p.Arg13= (NM_001363602.2).
Identifiers: ClinVar variation 2998548 (VCV002998548.5), dbSNP rs140143043, ClinGen allele CA9043022.